The following is an entry in ClinVar:

ClinVar aggregate classification (germline): Uncertain significance. Review status: criteria provided, multiple submitters, no conflicts (2 of 4 stars). 3 submissions from 3 submitters: Uncertain significance (2). 1 of the submissions does not count toward it. Last evaluated 2024-08-13.

Conditions:
Hereditary spastic paraplegia 49 (HSAN9). Also called: TECPR2-Related Hereditary Sensory and Autonomic Neuropathy with Intellectual Disability; Spastic paraplegia 49, autosomal recessive; NEUROPATHY, HEREDITARY SENSORY AND AUTONOMIC, TYPE IX, WITH DEVELOPMENTAL DELAY. Identifiers: Orphanet 320385, MedGen C5190860, MONDO:0014016, OMIM 615031.

Allele frequency attached by ClinVar (database versions not stated): gnomAD exomes 0.00002 and 0.00005; ExAC 0.00008; 1000 Genomes Project 30x 0.00016; gnomAD 0.00017; TOPMed 0.00017; 1000 Genomes Project 0.00020; ESP Exome Variant Server 0.00023.
gnomAD v4.1: 51 of 1,611,720 alleles (0.0032%); highest among the groups gnomAD compares: African/African-American, 0.055%; no homozygotes.

Submissions (3):

Blueprint Genetics
Classification: Uncertain significance. Last evaluated: 2024-08-13. Review status: criteria provided, single submitter. Criteria: ACMG Guidelines, 2015. Collection method: clinical testing. Allele origin: germline.

Labcorp Genetics (formerly Invitae), Labcorp
Classification: Uncertain significance for Hereditary spastic paraplegia 49. Last evaluated: 2022-03-24. Review status: criteria provided, single submitter. Criteria: Invitae Variant Classification Sherloc (09022015). Collection method: clinical testing. Allele origin: germline.
Comment: This sequence change replaces alanine, which is neutral and non-polar, with valine, which is neutral and non-polar, at codon 1183 of the TECPR2 protein (p.Ala1183Val). This variant is present in population databases (rs146196522, gnomAD 0.04%). This variant has not been reported in the literature in individuals affected with TECPR2-related conditions. ClinVar contains an entry for this variant (Variation ID: 990808). Algorithms developed to predict the effect of missense changes on protein structure and function (SIFT, PolyPhen-2, Align-GVGD) all suggest that this variant is likely to be tolerated. In summary, the available evidence is currently insufficient to determine the role of this variant in disease. Therefore, it has been classified as a Variant of Uncertain Significance.

Natera, Inc.
Classification: Uncertain significance for Autosomal recessive spastic paraplegia type 49. Last evaluated: 2020-04-17. Review status: no assertion criteria provided. Collection method: clinical testing. Allele origin: germline. Not counted in ClinVar's aggregate classification.

NM_014844.5(TECPR2):c.3548C>T (p.Ala1183Val)

Gene: TECPR2 (tectonin beta-propeller repeat containing 2; plus strand). Cytogenetic location: 14q32.31.
Variant type: single nucleotide variant.
Coding change: c.3548C>T on transcript NM_014844.5 (MANE Select); coding-DNA position 3548, C replaced by T.
Protein change: p.Ala1183Val; replaces alanine 1183 with valine.
Molecular consequence: missense variant.
Genome position (GRCh38, 1-based): chr14:102,452,535, C>T. VCF-style: chr14-102452535-C-T. GRCh37 (hg19) VCF-style: chr14-102918872-C-T.
Other names: c.3548C>T, p.Ala1183Val (NM_001172631.3); short protein forms A1183V.
Identifiers: ClinVar variation 990808 (VCV000990808.4), dbSNP rs146196522, ClinGen allele CA7358275.
Genomic context (GRCh38, chr14:102,452,535, plus strand): 5'-TGCAGCTGCCTCCCGAAGCCGAGATGCGCGCCTATGCCGCCTGCCAGGATGCGCTGTGGG[C>T]GCTGGACAGCCTCGGCCAGGTGTTCATCAGGACGCTCTCCAAGAGCTGCCCCACGGGCAT-3'
Protein context (NP_055659.2, residues 1173-1193): AYAACQDALW[Ala1183Val]LDSLGQVFIR